The following is an entry in ClinVar:

ClinVar aggregate classification (germline): Uncertain significance (1 of 4 stars; one submission).

Submission:

CeGaT Center for Human Genetics Tuebingen
Classification: Uncertain significance. Last evaluated: 2026-04-01. Review status: criteria provided, single submitter. Criteria: CeGaT Center For Human Genetics Tuebingen Variant Classification Criteria Version 2. Collection method: clinical testing. Allele origin: germline. Affected: yes. Observed: 1 variant allele.
Comment: SOS1: PM2, PM5, PM1:Supporting

NM_005633.4(SOS1):c.1301G>C (p.Gly434Ala)

Gene: SOS1 (SOS Ras/Rac guanine nucleotide exchange factor 1; minus strand). Cytogenetic location: 2p22.1.
Variant type: single nucleotide variant.
Coding change: c.1301G>C on transcript NM_005633.4 (MANE Select); coding-DNA position 1301, G replaced by C.
Protein change: p.Gly434Ala; replaces glycine 434 with alanine.
Molecular consequence: missense variant.
Genome position (GRCh38, 1-based): chr2:39,023,127, C>G on the plus strand (G>C on the coding strand, the complement: SOS1 is on the minus strand). VCF-style: chr2-39023127-C-G. GRCh37 (hg19) VCF-style: chr2-39250268-C-G.
Other names: c.1280G>C, p.Gly427Ala (NM_001382394.1); c.1301G>C, p.Gly434Ala (NM_001382395.1); short protein forms G427A, G434A.
Identifiers: ClinVar variation 4874640 (VCV004874640.2).